The following is an entry in ClinVar:

NM_006950.3(SYN1):c.185C>T (p.Ser62Phe)

Gene: SYN1 (synapsin I; minus strand). Cytogenetic location: Xp11.23.
Variant type: single nucleotide variant.
Coding change: c.185C>T on transcript NM_006950.3 (MANE Select); coding-DNA position 185, C replaced by T.
Protein change: p.Ser62Phe; replaces serine 62 with phenylalanine.
Molecular consequence: missense variant.
Genome position (GRCh38, 1-based): chrX:47,619,544, G>A on the plus strand (C>T on the coding strand, the complement: SYN1 is on the minus strand). VCF-style: chrX-47619544-G-A. GRCh37 (hg19) VCF-style: chrX-47478943-G-A.
Other names: c.185C>T, p.Ser62Phe (NM_133499.2); short protein forms S62F.
Identifiers: ClinVar variation 1974021 (VCV001974021.7), dbSNP rs776054489, ClinGen allele CA10398789.

ClinVar aggregate classification (germline): Uncertain significance. Review status: criteria provided, multiple submitters, no conflicts (2 of 4 stars). 2 submissions from 2 submitters: Uncertain significance (2). Last evaluated 2023-11-07.

Conditions:
Epilepsy, X-linked 1, with variable learning disabilities and behavior disorders. Also called: X-linked epilepsy-learning disabilities-behavior disorders syndrome. Identifiers: Orphanet 85294, MedGen C5774177, MONDO:0010339, OMIM 300491.

Allele frequency attached by ClinVar (database versions not stated): gnomAD exomes 0.00002; ExAC 0.00009.
gnomAD v4.1: 24 of 1,189,388 alleles (0.002%); highest among the groups gnomAD compares: South Asian, 0.04%; no homozygotes.

Submissions (2):

Revvity Omics, Revvity
Classification: Uncertain significance. Last evaluated: 2023-11-07. Review status: criteria provided, single submitter. Criteria: ACMG Guidelines, 2015. Collection method: clinical testing. Allele origin: germline.

Labcorp Genetics (formerly Invitae), Labcorp
Classification: Uncertain significance for Epilepsy, X-linked 1, with variable learning disabilities and behavior disorders. Last evaluated: 2022-01-17. Review status: criteria provided, single submitter. Criteria: Invitae Variant Classification Sherloc (09022015). Collection method: clinical testing. Allele origin: germline.
Comment: Algorithms developed to predict the effect of missense changes on protein structure and function (SIFT, PolyPhen-2, Align-GVGD) all suggest that this variant is likely to be tolerated. This variant has not been reported in the literature in individuals affected with SYN1-related conditions. This variant is present in population databases (rs776054489, gnomAD 0.03%). This sequence change replaces serine, which is neutral and polar, with phenylalanine, which is neutral and non-polar, at codon 62 of the SYN1 protein (p.Ser62Phe). In summary, the available evidence is currently insufficient to determine the role of this variant in disease. Therefore, it has been classified as a Variant of Uncertain Significance.